The following is an entry in ClinVar:

ClinVar aggregate classification (germline): Uncertain significance (1 of 4 stars; one submission).

Conditions:
Autosomal dominant centronuclear myopathy. Also called: Myopathy, centronuclear, 3; MYOTUBULAR MYOPATHY, AUTOSOMAL DOMINANT. Identifiers: Orphanet 169189, MedGen C4551952, MeSH D020914, MONDO:0008048, OMIM 160150.

Submission:

Labcorp Genetics (formerly Invitae), Labcorp
Classification: Uncertain significance for Autosomal dominant centronuclear myopathy. Last evaluated: 2018-01-22. Review status: criteria provided, single submitter. Criteria: Invitae Variant Classification Sherloc (09022015). Collection method: clinical testing. Allele origin: germline.
Comment: A gross deletion of the genomic region encompassing the full coding sequence of the MYF6 gene has been identified. The boundaries of this event are unknown as the deletion extends beyond the assayed region for this gene and therefore may encompass additional genes. This variant has not been reported in the literature in individuals with MYF6-related disease. The current clinical and genetic evidence is not sufficient to establish whether loss-of-function variants in MYF6 cause disease. In summary, the available evidence is currently insufficient to determine the role of this variant in disease. Therefore, it has been classified as a Variant of Uncertain Significance.

NC_000012.11:g.(?_80128594)_(81102759_?)del

Genes: MYF6 (myogenic factor 6; plus strand), PTPRQ (protein tyrosine phosphatase receptor type Q; plus strand), OTOGL (otogelin like; plus strand), PPP1R12A (protein phosphatase 1 regulatory subunit 12A; minus strand). Cytogenetic location: 12q21.2-21.31.
Variant type: Deletion.
Identifiers: ClinVar variation 583793 (VCV000583793.3).